The following is an entry in ClinVar:

ClinVar aggregate classification (germline): Uncertain significance (1 of 4 stars; one submission).

Conditions:
GALE-related disorder. Also called: GALE-related condition.

Submission:

PreventionGenetics, part of Exact Sciences
Classification: Uncertain significance for GALE-related condition. Last evaluated: 2025-05-16. Review status: criteria provided, single submitter. Criteria: ACMG Guidelines, 2015. Collection method: clinical testing. Allele origin: germline.
Comment: The GALE c.401C>T variant is predicted to result in the amino acid substitution p.Thr134Ile. To our knowledge, this variant has not been reported in the literature or in a large population database (gnomAD), indicating this variant is rare. At this time, the clinical significance of this variant is uncertain due to the absence of conclusive functional and genetic evidence.

NM_001008216.2(GALE):c.401C>T (p.Thr134Ile)

Gene: GALE (UDP-galactose-4-epimerase; minus strand). Cytogenetic location: 1p36.11.
Variant type: single nucleotide variant.
Coding change: c.401C>T on transcript NM_001008216.2 (MANE Select); coding-DNA position 401, C replaced by T.
Protein change: p.Thr134Ile; replaces threonine 134 with isoleucine.
Molecular consequence: missense variant.
Genome position (GRCh38, 1-based): chr1:23,797,822, G>A on the plus strand (C>T on the coding strand, the complement: GALE is on the minus strand). VCF-style: chr1-23797822-G-A. GRCh37 (hg19) VCF-style: chr1-24124312-G-A.
Other names: c.401C>T, p.Thr134Ile (NM_000403.4, NM_001127621.2); short protein forms T134I.
Identifiers: ClinVar variation 4998055 (VCV004998055.1).